The following is an entry in ClinVar:

ClinVar aggregate classification (germline): Pathogenic/Likely pathogenic. Review status: criteria provided, multiple submitters, no conflicts (2 of 4 stars). 3 submissions from 3 submitters: Pathogenic (1); Likely pathogenic (2). Last evaluated 2025-06-02.

Conditions:
Autosomal recessive limb-girdle muscular dystrophy type 2J (LGMDR10). Also called: Limb-girdle muscular dystrophy, type 2J; MUSCULAR DYSTROPHY, LIMB-GIRDLE, AUTOSOMAL RECESSIVE 10. Identifiers: Orphanet 140922, MedGen C1837342, MONDO:0012127, OMIM 608807.
Dilated cardiomyopathy 1G (CMD1G). Identifiers: Orphanet 154, MedGen C1858763, MONDO:0011400, OMIM 604145.
Cardiovascular phenotype. Identifiers: MedGen CN230736.

Allele frequency attached by ClinVar (database versions not stated): gnomAD exomes 0.00001.
gnomAD v4.1: 3 of 1,613,622 alleles (0.00019%); highest among the groups gnomAD compares: South Asian, 0.0022%; no homozygotes.

Submissions (3):

GeneDx
Classification: Likely pathogenic. Last evaluated: 2025-06-02. Review status: criteria provided, single submitter. Criteria: GeneDx Variant Classification Process June 2021. Collection method: clinical testing. Allele origin: germline. Affected: yes.
Comment: Nonsense variant predicted to result in protein truncation or nonsense mediated decay in a gene for which loss of function is a known mechanism of disease; Not observed at significant frequency in large population cohorts (gnomAD); This variant is associated with the following publications: (PMID: 22335739, 32778822, 35653365, 37461109)

Labcorp Genetics (formerly Invitae), Labcorp
Classification: Likely pathogenic for Dilated cardiomyopathy 1G; Autosomal recessive limb-girdle muscular dystrophy type 2J. Last evaluated: 2024-12-22. Review status: criteria provided, single submitter. Criteria: Invitae Variant Classification Sherloc (09022015). Collection method: clinical testing. Allele origin: germline.
Comment: This sequence change creates a premature translational stop signal (p.Arg33448*) in the TTN gene. While this is not anticipated to result in nonsense mediated decay, it is expected to create a truncated TTN protein. This variant is present in population databases (no rsID available, gnomAD 0.003%). This premature translational stop signal has been observed in individual(s) with dilated cardiomyopathy (PMID: 35653365, 37461109). ClinVar contains an entry for this variant (Variation ID: 2099057). This variant is located in the A band of TTN (PMID: 25589632). Truncating variants in this region are significantly overrepresented in patients affected with dilated cardiomyopathy (PMID: 25589632). Truncating variants in this region have also been reported in individuals affected with autosomal recessive centronuclear myopathy (PMID: 23975875). In summary, the currently available evidence indicates that the variant is pathogenic, but additional data are needed to prove that conclusively. Therefore, this variant has been classified as Likely Pathogenic.

Ambry Genetics
Classification: Pathogenic for Cardiovascular phenotype. Last evaluated: 2024-12-19. Review status: criteria provided, single submitter. Criteria: Ambry Variant Classification Scheme 2023. Collection method: clinical testing. Allele origin: germline.
Comment: The p.R24383* pathogenic mutation (also known as c.73147C>T), located in coding exon 184 of the TTN gene, results from a C to T substitution at nucleotide position 73147. This changes the amino acid from an arginine to a stop codon within coding exon 184. This exon is located in the A-band region of the N2-B isoform of the titin protein and is constitutively expressed in TTN transcripts (percent spliced in or PSI 100%). This variant, which is also known as NM_001267550.1 c.100342C>T p.R33448*, was reported in individual(s) with features consistent with dilated cardiomyopathy (DCM) (Stava TT et al. Eur J Prev Cardiol, 2022 Oct;29:1789-1799; Ambry internal data). This variant is considered to be rare based on population cohorts in the Genome Aggregation Database (gnomAD). In addition to the clinical data presented in the literature, this alteration is expected to result in loss of function by premature protein truncation or nonsense-mediated mRNA decay. While truncating variants in TTN are present in 1-3% of the general population, truncating variants in the A-band are the most common cause of dilated cardiomyopathy (DCM) (Herman DS et al. N. Engl. J. Med., 2012 Feb;366:619-28; Roberts AM et al. Sci Transl Med, 2015 Jan;7:270ra6). TTN truncating variants encoded in constitutive exons (PSI >90%) have been found to be significantly associated with DCM regardless of their position in titin (Schafer S et al. Nat. Genet., 2017 01;49:46-53). Based on the supporting evidence, this variant is interpreted as a disease-causing mutation.

Literature cited by the submitters: PubMed 35653365 (cited by Labcorp Genetics (formerly Invitae), Labcorp and Ambry Genetics); PubMed 37461109 (cited by Labcorp Genetics (formerly Invitae), Labcorp); PubMed 25589632 (cited by Labcorp Genetics (formerly Invitae), Labcorp); PubMed 23975875 (cited by Labcorp Genetics (formerly Invitae), Labcorp).

NM_001267550.2(TTN):c.100342C>T (p.Arg33448Ter)

Genes: TTN (titin; minus strand), TTN-AS1 (TTN antisense RNA 1; plus strand), LOC126806420 (BRD4-independent group 4 enhancer GRCh37_chr2:179401104-179402303; plus strand). Cytogenetic location: 2q31.2.
Variant type: single nucleotide variant.
Coding change: c.100342C>T on transcript NM_001267550.2 (MANE Select); coding-DNA position 100342, C replaced by T.
Protein change: p.Arg33448Ter; replaces arginine 33448 with a stop codon.
Molecular consequence: nonsense.
Genome position (GRCh38, 1-based): chr2:178,536,405, G>A on the plus strand (C>T on the coding strand, the complement: TTN is on the minus strand). VCF-style: chr2-178536405-G-A. GRCh37 (hg19) VCF-style: chr2-179401132-G-A.
Other names: c.95419C>T, p.Arg31807Ter (NM_001256850.1); c.73147C>T, p.Arg24383Ter (NM_003319.4); c.92638C>T, p.Arg30880Ter (NM_133378.4); c.73522C>T, p.Arg24508Ter (NM_133432.3); c.73723C>T, p.Arg24575Ter (NM_133437.4); short protein forms R31807*, R33448*, R24383*, R24508*, R24575*, R30880*.
Identifiers: ClinVar variation 2099057 (VCV002099057.6), dbSNP rs1168878579, ClinGen allele CA349426231.